The following is an entry in ClinVar:

ClinVar aggregate classification (germline): Uncertain significance (1 of 4 stars; one submission).

Submission:

Labcorp Genetics (formerly Invitae), Labcorp
Classification: Uncertain significance. Last evaluated: 2019-07-06. Review status: criteria provided, single submitter. Criteria: Invitae Variant Classification Sherloc (09022015). Collection method: clinical testing. Allele origin: germline.
Comment: This sequence change replaces histidine with proline at codon 584 of the PHEX protein (p.His584Pro). The histidine residue is highly conserved and there is a moderate physicochemical difference between histidine and proline. This variant is not present in population databases (ExAC no frequency). This variant has been observed in an family affected with hypophosphatemic rickets (PMID: 24836714). Algorithms developed to predict the effect of missense changes on protein structure and function (SIFT, PolyPhen-2, Align-GVGD) all suggest that this variant is likely to be disruptive, but these predictions have not been confirmed by published functional studies and their clinical significance is uncertain. In summary, the available evidence is currently insufficient to determine the role of this variant in disease. Therefore, it has been classified as a Variant of Uncertain Significance.

Literature cited by the submitters: PubMed 24836714.

NM_000444.6(PHEX):c.1751A>C (p.His584Pro)

Genes: PHEX (phosphate regulating endopeptidase X-linked; plus strand), PTCHD1-AS (PTCHD1 and PHEX antisense RNA; minus strand). Cytogenetic location: Xp22.11.
Variant type: single nucleotide variant.
Coding change: c.1751A>C on transcript NM_000444.6 (MANE Select); coding-DNA position 1751, A replaced by C.
Protein change: p.His584Pro; replaces histidine 584 with proline.
Molecular consequence: missense variant.
Genome position (GRCh38, 1-based): chrX:22,219,086, A>C. VCF-style: chrX-22219086-A-C. GRCh37 (hg19) VCF-style: chrX-22237203-A-C.
Other names: c.1751A>C, p.His584Pro (NM_001282754.2); short protein forms H584P.
Identifiers: ClinVar variation 945399 (VCV000945399.9), dbSNP rs1935184414, ClinGen allele CA412575815.
Genomic context (GRCh38, chrX:22,219,086, plus strand): 5'-AATGCCATAGATCTCTGAGTTATGGTGCTATAGGAGTAATTGTCGGACATGAATTTACAC[A>C]TGGATTTGATAATAATGGTAAGTACCGGTTCATTTTATAAGCTGCTGCTTTTATAATAAT-3'
Protein context (NP_000435.3, residues 574-594): IGVIVGHEFT[His584Pro]GFDNNGRKYD